The following is an entry in ClinVar:

NM_000368.5(TSC1):c.738-1252G>A

Gene: TSC1 (TSC complex subunit 1; minus strand). Cytogenetic location: 9q34.13.
Variant type: single nucleotide variant.
Coding change: c.738-1252G>A on transcript NM_000368.5 (MANE Select); 1252 bases into the intron before coding-DNA position 738, G replaced by A.
Molecular consequence: intron variant.
Genome position (GRCh38, 1-based): chr9:132,913,709, C>T on the plus strand (G>A on the coding strand, the complement: TSC1 is on the minus strand). VCF-style: chr9-132913709-C-T. GRCh37 (hg19) VCF-style: chr9-135789096-C-T.
Other names: c.738-1252G>A (NM_001406598.1, NM_001406607.1, NM_001406593.1 and 16 more transcripts); c.375-1252G>A (NM_001406622.1, NM_001362177.2, NM_001406614.1 and 10 more transcripts); c.585-1252G>A (NM_001406611.1, NM_001162427.2, NM_001406613.1 and 2 more transcripts); c.-214-1252G>A (NM_001406628.1, NM_001406626.1, NM_001406627.1); c.-356-1252G>A (NM_001406630.1, NM_001406629.1).
Identifiers: ClinVar variation 2576059 (VCV002576059.1), dbSNP rs1846091543, ClinGen allele CA1129690346.
Genomic context (GRCh38, chr9:132,913,709, plus strand): 5'-CCCCCGTTTCTACTAAAAATACAAAAAATTAGCTGGGCGCGGTGGCGGGCGCCTGTAGTC[C>T]CAGCTACTCAGGAGGCTGAGGCAGGAGAATGGCGTGAACCCAGGAGGCGGAATTTGCAGT-3'

ClinVar aggregate classification (germline): Uncertain significance (1 of 4 stars; one submission).

Allele frequency attached by ClinVar (database versions not stated): TOPMed 0.00001; gnomAD 0.00002.
gnomAD v4.1: 3 of 150,988 alleles (0.002%); highest among the groups gnomAD compares: South Asian, 0.042%; no homozygotes.

Submission:

Institute for Clinical Genetics, University Hospital TU Dresden, University Hospital TU Dresden
Classification: Uncertain significance. Last evaluated: 2022-12-14. Review status: criteria provided, single submitter. Criteria: ACMG Guidelines, 2015. Collection method: clinical testing. Allele origin: paternal.
Comment: PM2_SUP